The following is an entry in ClinVar:

NM_000717.5(CA4):c.111G>A (p.Leu37=)

Gene: CA4 (carbonic anhydrase 4; plus strand). Cytogenetic location: 17q23.1.
Variant type: single nucleotide variant.
Coding change: c.111G>A on transcript NM_000717.5 (MANE Select); coding-DNA position 111, G replaced by A.
Protein change: p.Leu37=; no amino-acid change (leucine 37 retained).
Molecular consequence: synonymous variant. On other transcripts: non-coding transcript variant (1).
Genome position (GRCh38, 1-based): chr17:60,155,366, G>A. VCF-style: chr17-60155366-G-A. GRCh37 (hg19) VCF-style: chr17-58232727-G-A.
Identifiers: ClinVar variation 2974853 (VCV002974853.3), dbSNP rs943864305, ClinGen allele CA292203667.

ClinVar aggregate classification (germline): Uncertain significance (1 of 4 stars; one submission).

Allele frequency attached by ClinVar (database versions not stated): gnomAD exomes below 0.00001; TOPMed 0.00001.
gnomAD v4.1: 1 of 1,608,128 alleles (0.000062%); highest among the groups gnomAD compares: Non-Finnish European, 0.000085%; no homozygotes.

Submission:

Labcorp Genetics (formerly Invitae), Labcorp
Classification: Uncertain significance. Last evaluated: 2023-03-24. Review status: criteria provided, single submitter. Criteria: Invitae Variant Classification Sherloc (09022015). Collection method: clinical testing. Allele origin: germline.
Comment: In summary, the available evidence is currently insufficient to determine the role of this variant in disease. Therefore, it has been classified as a Variant of Uncertain Significance. Algorithms developed to predict the effect of sequence changes on RNA splicing suggest that this variant is not likely to affect RNA splicing. This variant has not been reported in the literature in individuals affected with CA4-related conditions. The frequency data for this variant in the population databases is considered unreliable, as metrics indicate poor data quality at this position in the gnomAD database. This sequence change affects codon 37 of the CA4 mRNA. It is a 'silent' change, meaning that it does not change the encoded amino acid sequence of the CA4 protein. It affects a nucleotide within the consensus splice site.